The following is an entry in ClinVar:

ClinVar aggregate classification (germline): Likely pathogenic (1 of 4 stars; one submission).

Conditions:
Arrhythmogenic right ventricular dysplasia 10. Also called: Arrhythmogenic Right Ventricular Dysplasia/Cardiomyopathy10; ARRHYTHMOGENIC RIGHT VENTRICULAR DYSPLASIA, FAMILIAL, 10; Arrhythmogenic right ventricular dysplasia/cardiomyopathy, type 10. Identifiers: MedGen C1857777, MONDO:0012434, OMIM 610193.

Submission:

KardioGenetik, Herz- und Diabeteszentrum NRW
Classification: Likely pathogenic for Arrhythmogenic right ventricular dysplasia 10. Last evaluated: 2024-11-29. Review status: criteria provided, single submitter. Criteria: ACMG Guidelines, 2015. Collection method: clinical testing. Allele origin: unknown. Affected: yes. Observed: 1 variant allele.
Comment: In the literature and mutation databases, the variant is unknown. There is no information available regarding the allele frequency of the variant in normal population cohorts according to the database (gnomAD). The deletion of a nucleotide at position 1353 of the cDNA results in a frameshift, leading to the introduction of a premature stop codon. ClinGen suggests that haploinsufficiency due to mRNA degradation is a possible pathogenic mechanism. For these reasons, this variant has been classified as likely pathogenic. PVS1, PM2_supporting

NM_001943.5(DSG2):c.1353del (p.Lys451fs)

Gene: DSG2 (desmoglein 2; plus strand). Cytogenetic location: 18q12.1.
Variant type: Deletion.
Coding change: c.1353del on transcript NM_001943.5 (MANE Select); coding-DNA position 1353, one base deleted (A; older notation c.1353delA).
Protein change: p.Lys451fs; shifts the reading frame from lysine 451.
Molecular consequence: frameshift variant.
Genome position (GRCh38, 1-based): chr18:31,535,342, A deleted; the last of 4 consecutive A bases (chr18:31,535,339-31,535,342); deleting any one gives the same sequence. VCF-style (leftmost placement, unchanged base first): chr18-31535338-CA-C. GRCh37 (hg19) VCF-style: chr18-29115301-CA-C.
Other names: short protein forms K451fs.
Identifiers: ClinVar variation 3383942 (VCV003383942.1).